The following is an entry in ClinVar:

ClinVar aggregate classification (germline): Likely benign. Review status: criteria provided, multiple submitters, no conflicts (2 of 4 stars). 3 submissions from 3 submitters: Likely benign (2). 1 of the submissions does not count toward it. Last evaluated 2025-09-04.

Conditions:
PCCB-related disorder. Also called: PCCB-related condition.
Propionic acidemia (PROP). Also called: GLYCINEMIA, KETOTIC; HYPERGLYCINEMIA WITH KETOACIDOSIS AND LEUKOPENIA; KETOTIC HYPERGLYCINEMIA. Identifiers: Orphanet 35, MedGen C0268579, MONDO:0011628, OMIM 606054, HP:0003571.

Allele frequency attached by ClinVar (database versions not stated): gnomAD 0.00001; gnomAD exomes 0.00001 and 0.00002; ExAC 0.00002; TOPMed 0.00002.
gnomAD v4.1: 10 of 1,613,866 alleles (0.00062%); highest among the groups gnomAD compares: Admixed American, 0.005%; no homozygotes.

Submissions (3):

Labcorp Genetics (formerly Invitae), Labcorp
Classification: Likely benign for Propionic acidemia. Last evaluated: 2025-09-04. Review status: criteria provided, single submitter. Criteria: Invitae Variant Classification Sherloc (09022015). Collection method: clinical testing. Allele origin: germline.

Blueprint Genetics
Classification: Likely benign. Last evaluated: 2021-09-22. Review status: criteria provided, single submitter. Criteria: ACMG Guidelines, 2015. Collection method: clinical testing. Allele origin: germline.

PreventionGenetics, part of Exact Sciences
Classification: Likely benign for PCCB-related condition. Last evaluated: 2024-01-05. Review status: no assertion criteria provided. Collection method: clinical testing. Allele origin: germline. Not counted in ClinVar's aggregate classification.
Comment: This variant is classified as likely benign based on ACMG/AMP sequence variant interpretation guidelines (Richards et al. 2015 PMID: 25741868, with internal and published modifications).

NM_000532.5(PCCB):c.888C>T (p.Asp296=)

Gene: PCCB (propionyl-CoA carboxylase subunit beta; plus strand). Cytogenetic location: 3q22.3.
Variant type: single nucleotide variant.
Coding change: c.888C>T on transcript NM_000532.5 (MANE Select); coding-DNA position 888, C replaced by T.
Protein change: p.Asp296=; no amino-acid change (aspartic acid 296 retained).
Molecular consequence: synonymous variant.
Genome position (GRCh38, 1-based): chr3:136,301,033, C>T. VCF-style: chr3-136301033-C-T. GRCh37 (hg19) VCF-style: chr3-136019875-C-T.
Other names: c.948C>T, p.Asp316= (NM_001178014.2); c.888C>T (NM_000532.4).
Identifiers: ClinVar variation 1132630 (VCV001132630.13), dbSNP rs753285409, ClinGen allele CA2631925.
Genomic context (GRCh38, chr3:136,301,033, plus strand): 5'-ACAAAAGGTAACTGGCTCTTCCTATGTTGACTATACCTGCCTTTTTTCTGCCTAAAGTGA[C>T]CGTCTGGTTCCTGAGCTTGACACAATTGTCCCTTTGGAATCAACCAAAGCCTACAACATG-3'
Protein context (NP_000523.2, residues 286-306): APVRECHDPS[Asp296=]RLVPELDTIV